The following is an entry in ClinVar:

NM_014989.7(RIMS1):c.3921G>T (p.Gly1307=)

Gene: RIMS1 (regulating synaptic membrane exocytosis 1; plus strand). Cytogenetic location: 6q13.
Variant type: single nucleotide variant.
Coding change: c.3921G>T on transcript NM_014989.7 (MANE Select); coding-DNA position 3921, G replaced by T.
Protein change: p.Gly1307=; no amino-acid change (glycine 1307 retained).
Molecular consequence: synonymous variant. On other transcripts: intron variant (24).
Genome position (GRCh38, 1-based): chr6:72,307,328, G>T. VCF-style: chr6-72307328-G-T. GRCh37 (hg19) VCF-style: chr6-73017031-G-T.
Other names: c.1881G>T, p.Gly627= (NM_001168407.2); c.1842G>T, p.Gly614= (NM_001350414.2); c.1965G>T, p.Gly655= (NM_001350415.2); c.1914G>T, p.Gly638= (NM_001350416.2); c.1887G>T, p.Gly629= (NM_001350418.2); c.1995G>T, p.Gly665= (NM_001350420.2); c.1740G>T, p.Gly580= (NM_001350421.2); c.1656G>T, p.Gly552= (NM_001350423.2, NM_001350444.2); and 51 more.
Identifiers: ClinVar variation 357854 (VCV000357854.12), dbSNP rs769179703, ClinGen allele CA3886394.
Genomic context (GRCh38, chr6:72,307,328, plus strand): 5'-AGTGGAGGAGCGAACAAGACAGATGAAAATGAAAGTGCATCGATTTAAGCAGACAACAGG[G>T]TCTGGTTCTAGTCAAGAACTTGATCGCGAGCAATATTCCAAGGTAAAATTAGTAGTATCC-3'
Protein context (NP_055804.2, residues 1297-1317): MKVHRFKQTT[Gly1307=]SGSSQELDRE

ClinVar aggregate classification (germline): Likely benign. Review status: criteria provided, multiple submitters, no conflicts (2 of 4 stars). 2 submissions from 2 submitters: Likely benign (2). Last evaluated 2024-12-04.

Conditions:
Cone-rod dystrophy 7 (CORD7). Identifiers: Orphanet 1872, MedGen C1863634, MONDO:0011355, OMIM 603649.

Allele frequency attached by ClinVar (database versions not stated): gnomAD exomes 0.00007 and 0.00019; gnomAD 0.00008; ExAC 0.00011; TOPMed 0.00005.
gnomAD v4.1: 287 of 1,605,416 alleles (0.018%); highest among the groups gnomAD compares: Non-Finnish European, 0.023%; no homozygotes.

Submissions (2):

Labcorp Genetics (formerly Invitae), Labcorp
Classification: Likely benign. Last evaluated: 2024-12-04. Review status: criteria provided, single submitter. Criteria: Invitae Variant Classification Sherloc (09022015). Collection method: clinical testing. Allele origin: germline.

Illumina Laboratory Services, Illumina
Classification: Likely benign for Cone-rod dystrophy 7. Last evaluated: 2018-01-13. Review status: criteria provided, single submitter. Criteria: ICSL Variant Classification Criteria 13 December 2019. Collection method: clinical testing. Allele origin: germline.
Comment: This variant was observed in the ICSL laboratory as part of a predisposition screen in an ostensibly healthy population. It had not been previously curated by ICSL or reported in the Human Gene Mutation Database (HGMD: prior to June 1st, 2018), and was therefore a candidate for classification through an automated scoring system. Utilizing variant allele frequency, disease prevalence and penetrance estimates, and inheritance mode, an automated score was calculated to assess if this variant is too frequent to cause the disease. Based on the score and internal cut-off values, a variant classified as likely benign is not then subjected to further curation. The score for this variant resulted in a classification of likely benign for this disease.